The following is an entry in ClinVar:

ClinVar aggregate classification (germline): Likely benign (1 of 4 stars; one submission).

gnomAD v4.1: 20 of 1,606,624 alleles (0.0012%); highest among the groups gnomAD compares: Admixed American, 0.0084%; no homozygotes.

Submission:

CeGaT Center for Human Genetics Tuebingen
Classification: Likely benign. Last evaluated: 2025-10-01. Review status: criteria provided, single submitter. Criteria: CeGaT Center For Human Genetics Tuebingen Variant Classification Criteria Version 2. Collection method: clinical testing. Allele origin: germline. Affected: yes. Observed: 1 variant allele.
Comment: KMT2C: BS2

NM_170606.3(KMT2C):c.179A>G (p.Lys60Arg)

Gene: KMT2C (lysine methyltransferase 2C; minus strand). Cytogenetic location: 7q36.1.
Variant type: single nucleotide variant.
Coding change: c.179A>G on transcript NM_170606.3 (MANE Select); coding-DNA position 179, A replaced by G.
Protein change: p.Lys60Arg; replaces lysine 60 with arginine.
Molecular consequence: missense variant.
Genome position (GRCh38, 1-based): chr7:152,358,658, T>C on the plus strand (A>G on the coding strand, the complement: KMT2C is on the minus strand). VCF-style: chr7-152358658-T-C. GRCh37 (hg19) VCF-style: chr7-152055743-T-C.
Other names: short protein forms K60R.
Identifiers: ClinVar variation 4534995 (VCV004534995.6).
Genomic context (GRCh38, chr7:152,358,658, plus strand): 5'-ATCGTTTCTGTTTCTGTTGTCTCCAGCCCATCCATGCTGTCCTCATCTTCCACTGCAGTT[T>C]TCCCCCTACTTCGAGGTCTACAGAAAAAAAAAAAAATAATAAGTACATAGAGTTAAATGT-3'
Protein context (NP_733751.2, residues 50-70): RARKKPRSRG[Lys60Arg]TAVEDEDSMD